The following is an entry in ClinVar:

NM_004304.5(ALK):c.4832G>T (p.Ser1611Ile)

Gene: ALK (ALK receptor tyrosine kinase; minus strand). Cytogenetic location: 2p23.2.
Variant type: single nucleotide variant.
Coding change: c.4832G>T on transcript NM_004304.5 (MANE Select); coding-DNA position 4832, G replaced by T.
Protein change: p.Ser1611Ile; replaces serine 1611 with isoleucine.
Molecular consequence: missense variant.
Genome position (GRCh38, 1-based): chr2:29,193,255, C>A on the plus strand (G>T on the coding strand, the complement: ALK is on the minus strand). VCF-style: chr2-29193255-C-A. GRCh37 (hg19) VCF-style: chr2-29416121-C-A.
Other names: c.1628G>T, p.Ser543Ile (NM_001353765.2); short protein forms S1611I, S543I.
Identifiers: ClinVar variation 944371 (VCV000944371.10), dbSNP rs1668918898, ClinGen allele CA346460069.

ClinVar aggregate classification (germline): Uncertain significance. Review status: criteria provided, multiple submitters, no conflicts (2 of 4 stars). 2 submissions from 2 submitters: Uncertain significance (2). Last evaluated 2025-03-25.

Conditions:
Neuroblastoma, susceptibility to, 3. Also called: ALK-Related Neuroblastic Tumor Susceptibility. Identifiers: Orphanet 635, MedGen C2751681, MONDO:0013083, OMIM 613014.
Hereditary cancer-predisposing syndrome. Also called: Neoplastic Syndromes, Hereditary; Hereditary neoplastic syndrome; Hereditary Cancer Syndrome; Tumor predisposition. Identifiers: Orphanet 140162, MedGen C0027672, MeSH D009386, MONDO:0015356.

Submissions (2):

Ambry Genetics
Classification: Uncertain significance for Hereditary cancer-predisposing syndrome. Last evaluated: 2025-03-25. Review status: criteria provided, single submitter. Criteria: Ambry Variant Classification Scheme 2023. Collection method: clinical testing. Allele origin: germline.
Comment: The p.S1611I variant (also known as c.4832G>T), located in coding exon 29 of the ALK gene, results from a G to T substitution at nucleotide position 4832. The serine at codon 1611 is replaced by isoleucine, an amino acid with dissimilar properties. This amino acid position is conserved. In addition, this alteration is predicted to be tolerated by in silico analysis. Based on the available evidence, the clinical significance of this variant remains unclear.

Labcorp Genetics (formerly Invitae), Labcorp
Classification: Uncertain significance for Neuroblastoma, susceptibility to, 3. Last evaluated: 2019-05-04. Review status: criteria provided, single submitter. Criteria: Invitae Variant Classification Sherloc (09022015). Collection method: clinical testing. Allele origin: germline.
Comment: In summary, the available evidence is currently insufficient to determine the role of this variant in disease. Therefore, it has been classified as a Variant of Uncertain Significance. Algorithms developed to predict the effect of missense changes on protein structure and function are either unavailable or do not agree on the potential impact of this missense change (SIFT: "Deleterious"; PolyPhen-2: "Benign"; Align-GVGD: "Class C15"). This variant has not been reported in the literature in individuals with ALK-related conditions. This variant is not present in population databases (ExAC no frequency). This sequence change replaces serine with isoleucine at codon 1611 of the ALK protein (p.Ser1611Ile). The serine residue is moderately conserved and there is a large physicochemical difference between serine and isoleucine.